The following is an entry in ClinVar:

ClinVar aggregate classification (germline): Uncertain significance (1 of 4 stars; one submission).

gnomAD v4.1: 1 of 1,309,886 alleles (0.000076%); highest among the groups gnomAD compares: African/African-American, 0.0015%; no homozygotes.

Submission:

Labcorp Genetics (formerly Invitae), Labcorp
Classification: Uncertain significance. Last evaluated: 2025-10-13. Review status: criteria provided, single submitter. Criteria: Invitae Variant Classification Sherloc (09022015). Collection method: clinical testing. Allele origin: germline.
Comment: This sequence change replaces alanine, which is neutral and non-polar, with glycine, which is neutral and non-polar, at codon 44 of the HOXA13 protein (p.Ala44Gly). This variant is present in population databases (no rsID available, gnomAD 0.01%). This variant has not been reported in the literature in individuals affected with HOXA13-related conditions. Experimental studies and prediction algorithms are not available or were not evaluated, and the functional significance of this variant is currently unknown. In summary, the available evidence is currently insufficient to determine the role of this variant in disease. Therefore, it has been classified as a Variant of Uncertain Significance.

NM_000522.5(HOXA13):c.131C>G (p.Ala44Gly)

Genes: HOXA13 (homeobox A13; minus strand), LOC107126288 (NUP98-HOXA13 recombination region; plus strand). Cytogenetic location: 7p15.2.
Variant type: single nucleotide variant.
Coding change: c.131C>G on transcript NM_000522.5 (MANE Select); coding-DNA position 131, C replaced by G.
Protein change: p.Ala44Gly; replaces alanine 44 with glycine.
Molecular consequence: missense variant.
Genome position (GRCh38, 1-based): chr7:27,199,947, G>C on the plus strand (C>G on the coding strand, the complement: HOXA13 is on the minus strand). VCF-style: chr7-27199947-G-C. GRCh37 (hg19) VCF-style: chr7-27239566-G-C.
Other names: short protein forms A44G.
Identifiers: ClinVar variation 4700931 (VCV004700931.1).